The following is an entry in ClinVar:

ClinVar aggregate classification (germline): Uncertain significance (1 of 4 stars; one submission).

gnomAD v4.1: 2 of 1,613,946 alleles (0.00012%); highest among the groups gnomAD compares: Non-Finnish European, 0.000085%; no homozygotes.

Submission:

GeneDx
Classification: Uncertain significance. Last evaluated: 2025-06-24. Review status: criteria provided, single submitter. Criteria: GeneDx Variant Classification Process June 2021. Collection method: clinical testing. Allele origin: germline. Affected: yes.
Comment: Not observed at significant frequency in large population cohorts (gnomAD); In silico analysis suggests that this missense variant does not alter protein structure/function; Has not been previously published as pathogenic or benign to our knowledge

NM_000112.4(SLC26A2):c.1927C>T (p.Pro643Ser)

Gene: SLC26A2 (solute carrier family 26 member 2; plus strand). Cytogenetic location: 5q32.
Variant type: single nucleotide variant.
Coding change: c.1927C>T on transcript NM_000112.4 (MANE Select); coding-DNA position 1927, C replaced by T.
Protein change: p.Pro643Ser; replaces proline 643 with serine.
Molecular consequence: missense variant.
Genome position (GRCh38, 1-based): chr5:149,981,520, C>T. VCF-style: chr5-149981520-C-T. GRCh37 (hg19) VCF-style: chr5-149361083-C-T.
Other names: short protein forms P643S.
Identifiers: ClinVar variation 4540319 (VCV004540319.1).